The following is an entry in ClinVar:

ClinVar aggregate classification (germline): Likely benign (1 of 4 stars; one submission).

Submission:

CeGaT Center for Human Genetics Tuebingen
Classification: Likely benign. Last evaluated: 2026-06-01. Review status: criteria provided, single submitter. Criteria: CeGaT Center For Human Genetics Tuebingen Variant Classification Criteria Version 2. Collection method: clinical testing. Allele origin: germline. Affected: yes. Observed: 1 variant allele.
Comment: PDGFRA: PM2:Supporting, BP4, BP7

NM_006206.6(PDGFRA):c.549T>C (p.Thr183=)

Gene: PDGFRA (platelet derived growth factor receptor alpha; plus strand). Cytogenetic location: 4q12.
Variant type: single nucleotide variant.
Coding change: c.549T>C on transcript NM_006206.6 (MANE Select); coding-DNA position 549, T replaced by C.
Protein change: p.Thr183=; no amino-acid change (threonine 183 retained).
Molecular consequence: synonymous variant.
Genome position (GRCh38, 1-based): chr4:54,263,848, T>C. VCF-style: chr4-54263848-T-C. GRCh37 (hg19) VCF-style: chr4-55130015-T-C.
Other names: c.549T>C, p.Thr183= (NM_001347827.2, NM_001347829.2); c.624T>C, p.Thr208= (NM_001347828.2); c.588T>C, p.Thr196= (NM_001347830.2).
Identifiers: ClinVar variation 4875056 (VCV004875056.2).